The following is an entry in ClinVar:

NM_004183.4(BEST1):c.274C>T (p.Arg92Cys)

Gene: BEST1 (bestrophin 1; plus strand). Cytogenetic location: 11q12.3.
Variant type: single nucleotide variant.
Coding change: c.274C>T on transcript NM_004183.4 (MANE Select); coding-DNA position 274, C replaced by T.
Protein change: p.Arg92Cys; replaces arginine 92 with cysteine.
Molecular consequence: missense variant. On other transcripts: non-coding transcript variant (1).
Genome position (GRCh38, 1-based): chr11:61,955,744, C>T. VCF-style: chr11-61955744-C-T. GRCh37 (hg19) VCF-style: chr11-61723216-C-T.
Other names: c.94C>T, p.Arg32Cys (NM_001139443.3, NM_001300786.2, NM_001300787.2); c.-45C>T (NM_001363591.3); c.274C>T, p.Arg92Cys (NM_001363592.2); c.-902C>T (NM_001363593.3); short protein forms R92C, R32C.
Identifiers: ClinVar variation 99703 (VCV000099703.13), dbSNP rs281865224, ClinGen allele CA227755.
Genomic context (GRCh38, chr11:61,955,744, plus strand): 5'-CCCTCGCCCCTCGCCCCCCGCCCCTCCTGCCCAGGCTTCTACGTGACGCTGGTCGTGACC[C>T]GCTGGTGGAACCAGTACGAGAACCTGCCGTGGCCCGACCGCCTCATGAGCCTGGTGTCGG-3'
Protein context (NP_004174.1, residues 82-102): LGFYVTLVVT[Arg92Cys]WWNQYENLPW

ClinVar aggregate classification (germline): Pathogenic. Review status: criteria provided, multiple submitters, no conflicts (2 of 4 stars). 5 submissions from 5 submitters: Pathogenic (4). 1 of the submissions does not count toward it. Last evaluated 2026-07-14.

Conditions:
BEST1-related disorder. Also called: BEST1-related condition; BEST1-related disorders. Identifiers: MedGen CN239200.
Vitelliform macular dystrophy 2. Also called: MACULAR DEGENERATION, POLYMORPHIC VITELLINE; Best vitelliform macular dystrophy, multifocal; Best Macular Dystrophy; VITELLIFORM MACULAR DYSTROPHY, EARLY-ONSET; VITELLIFORM MACULAR DYSTROPHY, JUVENILE-ONSET; Best Vitelliform Macular Dystrophy (BVMD). Identifiers: Orphanet 1243, MedGen C2745945, MONDO:0007931, OMIM 153700.

Submissions (5):

MVZ Martinsried, Medicover Genetics
Classification: Pathogenic for Vitelliform macular dystrophy 2. Last evaluated: 2026-07-14. Review status: criteria provided, single submitter. Criteria: ClinGen Variant Curation SOP V3.2 + Classification Guidance July2025. Collection method: clinical testing. Allele origin: unknown. Affected: yes. Observed: 1 heterozygote.

Labcorp Genetics (formerly Invitae), Labcorp
Classification: Pathogenic. Last evaluated: 2025-06-23. Review status: criteria provided, single submitter. Criteria: Invitae Variant Classification Sherloc (09022015). Collection method: clinical testing. Allele origin: germline.
Comment: This sequence change replaces arginine, which is basic and polar, with cysteine, which is neutral and slightly polar, at codon 92 of the BEST1 protein (p.Arg92Cys). This variant is not present in population databases (gnomAD no frequency). This missense change has been observed in individuals with autosomal dominant Best vitelliform macular dystrophy (PMID: 10394929, 21436265, 30498755). ClinVar contains an entry for this variant (Variation ID: 99703). Invitae Evidence Modeling of protein sequence and biophysical properties (such as structural, functional, and spatial information, amino acid conservation, physicochemical variation, residue mobility, and thermodynamic stability) indicates that this missense variant is expected to disrupt BEST1 protein function with a positive predictive value of 95%. Experimental studies have shown that this missense change affects BEST1 function (PMID: 18400985). This variant disrupts the p.Arg92 amino acid residue in BEST1. Other variant(s) that disrupt this residue have been observed in individuals with BEST1-related conditions (PMID: 10854112, 21436265), which suggests that this may be a clinically significant amino acid residue. For these reasons, this variant has been classified as Pathogenic.

Blueprint Genetics
Classification: Pathogenic for BEST1-related disorders. Last evaluated: 2023-05-23. Review status: criteria provided, single submitter. Criteria: ACMG Guidelines, 2015. Collection method: clinical testing. Allele origin: germline. Affected: yes. Observed: 5 variant alleles.

GeneDx
Classification: Pathogenic. Last evaluated: 2016-05-11. Review status: criteria provided, single submitter. Criteria: GeneDx Variant Classification (06012015). Collection method: clinical testing. Allele origin: germline. Affected: yes.
Comment: The R92C pathogenic variant has been reported previously in association with BEST1-relateddisorders (Querques et al. 2011; Bakall et al. 1999). In vitro functional studies demonstrated that theR92C variant suppresses the calcium ion-activated chloride current within neurons (Boudes et al.,2009). The R92C pathogenic variant was not observed in approximately 5,900 individuals ofEuropean and African American ancestry in the NHLBI Exome Sequencing Project, indicating it is nota common benign variant in these populations. The R92C pathogenic variant is a non-conservativeamino acid substitution that occurs at a position that is conserved across species. In silico analysispredicts this substitution is probably damaging to the protein structure/function. Therefore, we interpret the R92C variant to be pathogenic.

Retina International
No classification provided. Review status: no classification provided. Collection method: not provided. Allele origin: not provided. Not counted in ClinVar's aggregate classification.

Literature cited by the submitters: PubMed 10394929 (cited by Labcorp Genetics (formerly Invitae), Labcorp); PubMed 21436265 (cited by Labcorp Genetics (formerly Invitae), Labcorp); PubMed 30498755 (cited by Labcorp Genetics (formerly Invitae), Labcorp); PubMed 18400985 (cited by Labcorp Genetics (formerly Invitae), Labcorp); PubMed 10854112 (cited by Labcorp Genetics (formerly Invitae), Labcorp).